The following is an entry in ClinVar:

ClinVar aggregate classification (germline): Uncertain significance (1 of 4 stars; one submission).

Submission:

Labcorp Genetics (formerly Invitae), Labcorp
Classification: Uncertain significance. Last evaluated: 2024-10-24. Review status: criteria provided, single submitter. Criteria: Invitae Variant Classification Sherloc (09022015). Collection method: clinical testing. Allele origin: germline.
Comment: This sequence change replaces methionine, which is neutral and non-polar, with isoleucine, which is neutral and non-polar, at codon 198 of the CYFIP2 protein (p.Met198Ile). This variant is not present in population databases (gnomAD no frequency). This variant has not been reported in the literature in individuals affected with CYFIP2-related conditions. Experimental studies and prediction algorithms are not available or were not evaluated, and the functional significance of this variant is currently unknown. In summary, the available evidence is currently insufficient to determine the role of this variant in disease. Therefore, it has been classified as a Variant of Uncertain Significance.

NM_001037333.3(CYFIP2):c.594G>A (p.Met198Ile)

Gene: CYFIP2 (cytoplasmic FMR1 interacting protein 2; plus strand). Cytogenetic location: 5q33.3.
Variant type: single nucleotide variant.
Coding change: c.594G>A on transcript NM_001037333.3 (MANE Select); coding-DNA position 594, G replaced by A.
Protein change: p.Met198Ile; replaces methionine 198 with isoleucine.
Molecular consequence: missense variant.
Genome position (GRCh38, 1-based): chr5:157,302,818, G>A. VCF-style: chr5-157302818-G-A. GRCh37 (hg19) VCF-style: chr5-156729826-G-A.
Other names: c.516G>A, p.Met172Ile (NM_001291721.2); c.594G>A, p.Met198Ile (NM_001291722.2, NM_014376.4); short protein forms M172I, M198I.
Identifiers: ClinVar variation 3675380 (VCV003675380.2).
Genomic context (GRCh38, chr5:157,302,818, plus strand): 5'-CAGTCCTCTCTGCAGCACCCACTATCTGCGTTTCAGGGCAGCACAGTTCCTGCGGAAGAT[G>A]GCAGATCCCCAGTCTATCCAGGAGTCGCAGAACCTTTCCATGTTCCTGGCCAACCACAAC-3'
Protein context (NP_001032410.1, residues 188-208): YKRAAQFLRK[Met198Ile]ADPQSIQESQ